The following is an entry in ClinVar:

ClinVar aggregate classification (germline): Uncertain significance (1 of 4 stars; one submission).

Conditions:
Developmental and epileptic encephalopathy 94 (DEE94). Also called: CHD2-Related Neurodevelopmental Disorders; Epileptic encephalopathy, childhood-onset. Identifiers: Orphanet 1942, Orphanet 2382, MedGen C3809278, MONDO:0014150, OMIM 615369.

Submission:

Labcorp Genetics (formerly Invitae), Labcorp
Classification: Uncertain significance for Developmental and epileptic encephalopathy 94. Last evaluated: 2024-04-25. Review status: criteria provided, single submitter. Criteria: Invitae Variant Classification Sherloc (09022015). Collection method: clinical testing. Allele origin: germline.
Comment: This sequence change falls in intron 23 of the CHD2 gene. It does not directly change the encoded amino acid sequence of the CHD2 protein. It affects a nucleotide within the consensus splice site. This variant is not present in population databases (gnomAD no frequency). This variant has not been reported in the literature in individuals affected with CHD2-related conditions. Variants that disrupt the consensus splice site are a relatively common cause of aberrant splicing (PMID: 17576681, 9536098). Algorithms developed to predict the effect of sequence changes on RNA splicing suggest that this variant is not likely to affect RNA splicing. In summary, the available evidence is currently insufficient to determine the role of this variant in disease. Therefore, it has been classified as a Variant of Uncertain Significance.

Literature cited by the submitters: PubMed 17576681; PubMed 9536098.

NM_001271.4(CHD2):c.2973+6T>C

Genes: CHD2 (chromodomain helicase DNA binding protein 2; plus strand), LOC126862230 (P300/CBP strongly-dependent group 1 enhancer GRCh37_chr15:93523977-93525176; plus strand). Cytogenetic location: 15q26.1.
Variant type: single nucleotide variant.
Coding change: c.2973+6T>C on transcript NM_001271.4 (MANE Select); 6 bases into the intron after coding-DNA position 2973, T replaced by C.
Molecular consequence: intron variant.
Genome position (GRCh38, 1-based): chr15:92,980,917, T>C. VCF-style: chr15-92980917-T-C. GRCh37 (hg19) VCF-style: chr15-93524147-T-C.
Identifiers: ClinVar variation 3667362 (VCV003667362.2).